The following is an entry in ClinVar:

ClinVar aggregate classification (germline): Pathogenic/Likely pathogenic. Review status: criteria provided, multiple submitters, no conflicts (2 of 4 stars). 2 submissions from 2 submitters: Pathogenic (1); Likely pathogenic (1). Last evaluated 2025-08-18.

Conditions:
ADGRV1-related disorder. Also called: ADGRV1-related condition; ADGRV1-related disorders.

Submissions (2):

Labcorp Genetics (formerly Invitae), Labcorp
Classification: Pathogenic. Last evaluated: 2025-08-18. Review status: criteria provided, single submitter. Criteria: Invitae Variant Classification Sherloc (09022015). Collection method: clinical testing. Allele origin: germline.
Comment: This sequence change creates a premature translational stop signal (p.Asp2806Leufs*12) in the ADGRV1 gene. It is expected to result in an absent or disrupted protein product. Loss-of-function variants in ADGRV1 are known to be pathogenic (PMID: 19357117, 22135276, 22147658, 26226137, 30718709, 31047384, 32467589). This variant is not present in population databases (gnomAD no frequency). This variant has not been reported in the literature in individuals affected with ADGRV1-related conditions. For these reasons, this variant has been classified as Pathogenic.

Blueprint Genetics
Classification: Likely pathogenic for ADGRV1-related disorders. Last evaluated: 2022-04-11. Review status: criteria provided, single submitter. Criteria: ACMG Guidelines, 2015. Collection method: clinical testing. Allele origin: germline. Affected: yes. Observed: 2 variant alleles.

Literature cited by the submitters: PubMed 19357117 (cited by Labcorp Genetics (formerly Invitae), Labcorp); PubMed 22135276 (cited by Labcorp Genetics (formerly Invitae), Labcorp); PubMed 22147658 (cited by Labcorp Genetics (formerly Invitae), Labcorp); PubMed 26226137 (cited by Labcorp Genetics (formerly Invitae), Labcorp); PubMed 30718709 (cited by Labcorp Genetics (formerly Invitae), Labcorp); PubMed 31047384 (cited by Labcorp Genetics (formerly Invitae), Labcorp); PubMed 32467589 (cited by Labcorp Genetics (formerly Invitae), Labcorp).

NM_032119.4(ADGRV1):c.8414_8415dup (p.Asp2806fs)

Gene: ADGRV1 (adhesion G protein-coupled receptor V1; plus strand). Cytogenetic location: 5q14.3.
Variant type: Duplication.
Coding change: c.8414_8415dup on transcript NM_032119.4 (MANE Select); coding-DNA positions 8414 to 8415, 2 bases duplicated (TT; older notation c.8414_8415dupTT).
Protein change: p.Asp2806fs; shifts the reading frame from aspartic acid 2806.
Molecular consequence: frameshift variant. On other transcripts: non-coding transcript variant (1).
Genome position (GRCh38, 1-based): chr5:90,705,427-90,705,428, TT duplicated. VCF-style (leftmost placement, unchanged base first): chr5-90705426-C-CTT. GRCh37 (hg19) VCF-style: chr5-90001243-C-CTT.
Other names: short protein forms D2806fs.
Identifiers: ClinVar variation 4773617 (VCV004773617.2).